The following is an entry in ClinVar:

NM_017617.5(NOTCH1):c.5167+73G>A

Gene: NOTCH1 (notch receptor 1; minus strand). Cytogenetic location: 9q34.3.
Variant type: single nucleotide variant.
Coding change: c.5167+73G>A on transcript NM_017617.5 (MANE Select); 73 bases into the intron after coding-DNA position 5167, G replaced by A.
Molecular consequence: intron variant.
Genome position (GRCh38, 1-based): chr9:136,503,109, C>T on the plus strand (G>A on the coding strand, the complement: NOTCH1 is on the minus strand). VCF-style: chr9-136503109-C-T. GRCh37 (hg19) VCF-style: chr9-139397561-C-T.
Other names: c.5167+73G>A (LRG_1122t1).
Identifiers: ClinVar variation 133366 (VCV000133366.1), dbSNP rs368493777, ClinGen allele CA156456.

ClinVar aggregate classification (germline): not provided (0 of 4 stars; one submission).

Allele frequency attached by ClinVar (database versions not stated): gnomAD 0.00001 and 0.00003; TOPMed 0.00002; gnomAD exomes 0.00006 and 0.00015; ExAC 0.00015; 1000 Genomes Project 30x 0.00016; 1000 Genomes Project 0.00020.
gnomAD v4.1: 97 of 1,601,676 alleles (0.0061%); highest among the groups gnomAD compares: South Asian, 0.094%; 1 homozygote.

Submission:

ITMI
No classification provided. Condition: AllHighlyPenetrant. Last evaluated: 2013-09-19. Review status: no classification provided. Collection method: reference population. Allele origin: germline.
Comment: Please see associated publication for description of ethnicities

Literature cited by the submitters: PubMed 24728327.